The following is an entry in ClinVar:

NM_000264.5(PTCH1):c.3609C>A (p.Ser1203Arg)

Gene: PTCH1 (patched 1; minus strand). Cytogenetic location: 9q22.32.
Variant type: single nucleotide variant.
Coding change: c.3609C>A on transcript NM_000264.5 (MANE Select); coding-DNA position 3609, C replaced by A.
Protein change: p.Ser1203Arg; replaces serine 1203 with arginine.
Molecular consequence: missense variant. On other transcripts: non-coding transcript variant (1).
Genome position (GRCh38, 1-based): chr9:95,449,264, G>T on the plus strand (C>A on the coding strand, the complement: PTCH1 is on the minus strand). VCF-style: chr9-95449264-G-T. GRCh37 (hg19) VCF-style: chr9-98211546-G-T.
Other names: c.3411C>A, p.Ser1137Arg (NM_001083602.3); c.3606C>A, p.Ser1202Arg (NM_001083603.3); c.3156C>A, p.Ser1052Arg (NM_001083604.3, NM_001083605.3, NM_001083606.3 and 1 more transcripts); c.3453C>A, p.Ser1151Arg (NM_001354918.2); short protein forms S1203R, S1137R, S1202R, S1151R, S1052R.
Identifiers: ClinVar variation 3427238 (VCV003427238.1).
Genomic context (GRCh38, chr9:95,449,264, plus strand): 5'-CGAGTCGGAGGAATCAGACCCGCTGTGCGTGTGGCCGGGCGGCATGGCGAAGCGGACCAC[G>T]CTGGGGGGTGGCTCAGGGGAGGGTGTGGGCAGGCGGTTCAAGCCGTTGGCTGGAGACACC-3'
Protein context (NP_000255.2, residues 1193-1213): LPTPSPEPPP[Ser1203Arg]VVRFAMPPGH

ClinVar aggregate classification (germline): Uncertain significance (1 of 4 stars; one submission).

Conditions:
Hereditary cancer-predisposing syndrome. Also called: Neoplastic Syndromes, Hereditary; Tumor predisposition; Hereditary Cancer Syndrome; Hereditary neoplastic syndrome. Identifiers: Orphanet 140162, MedGen C0027672, MeSH D009386, MONDO:0015356.

Submission:

Ambry Genetics
Classification: Uncertain significance for Hereditary cancer-predisposing syndrome. Last evaluated: 2024-07-24. Review status: criteria provided, single submitter. Criteria: Ambry Variant Classification Scheme 2023. Collection method: clinical testing. Allele origin: germline.
Comment: The p.S1203R variant (also known as c.3609C>A), located in coding exon 22 of the PTCH1 gene, results from a C to A substitution at nucleotide position 3609. The serine at codon 1203 is replaced by arginine, an amino acid with dissimilar properties. This amino acid position is not well conserved in available vertebrate species. In addition, this alteration is predicted to be tolerated by in silico analysis. Based on the available evidence, the clinical significance of this variant remains unclear.